The following is an entry in ClinVar:

ClinVar aggregate classification (germline): Uncertain significance. Review status: criteria provided, multiple submitters, no conflicts (2 of 4 stars). 2 submissions from 2 submitters: Uncertain significance (2). Last evaluated 2026-03-15.

Conditions:
Charcot-Marie-Tooth disease axonal type 2C (HMSN2C). Also called: Charcot-Marie-Tooth Disease Type 2, TRPV4-Related (CMT2C); CHARCOT-MARIE-TOOTH DISEASE, AXONAL, AUTOSOMAL DOMINANT, TYPE 2C; Charcot-Marie-Tooth Neuropathy Type 2C. Identifiers: Orphanet 99937, MedGen C1853710, MONDO:0011633, OMIM 606071.

Allele frequency attached by ClinVar (database versions not stated): gnomAD 0.00001; TOPMed 0.00001.
gnomAD v4.1: 1 of 1,613,560 alleles (0.000062%); highest among the groups gnomAD compares: African/African-American, 0.0013%; no homozygotes.

Submissions (2):

GeneDx
Classification: Uncertain significance. Last evaluated: 2026-03-15. Review status: criteria provided, single submitter. Criteria: GeneDx Variant Classification Process June 2021. Collection method: clinical testing. Allele origin: germline.
Comment: Not observed at significant frequency in large population cohorts (gnomAD); In silico analysis suggests that this missense variant does not alter protein structure/function; Has not been previously published as pathogenic or benign to our knowledge

Labcorp Genetics (formerly Invitae), Labcorp
Classification: Uncertain significance for Charcot-Marie-Tooth disease axonal type 2C. Last evaluated: 2022-11-30. Review status: criteria provided, single submitter. Criteria: Invitae Variant Classification Sherloc (09022015). Collection method: clinical testing. Allele origin: germline.
Comment: In summary, the available evidence is currently insufficient to determine the role of this variant in disease. Therefore, it has been classified as a Variant of Uncertain Significance. Advanced modeling of protein sequence and biophysical properties (such as structural, functional, and spatial information, amino acid conservation, physicochemical variation, residue mobility, and thermodynamic stability) performed at Invitae indicates that this missense variant is not expected to disrupt TRPV4 protein function. This variant has not been reported in the literature in individuals affected with TRPV4-related conditions. This variant is not present in population databases (gnomAD no frequency). This sequence change replaces threonine, which is neutral and polar, with proline, which is neutral and non-polar, at codon 771 of the TRPV4 protein (p.Thr771Pro).

NM_021625.5(TRPV4):c.2311A>C (p.Thr771Pro)

Gene: TRPV4 (transient receptor potential cation channel subfamily V member 4; minus strand). Cytogenetic location: 12q24.11.
Variant type: single nucleotide variant.
Coding change: c.2311A>C on transcript NM_021625.5 (MANE Select); coding-DNA position 2311, A replaced by C.
Protein change: p.Thr771Pro; replaces threonine 771 with proline.
Molecular consequence: missense variant.
Genome position (GRCh38, 1-based): chr12:109,786,735, T>G on the plus strand (A>C on the coding strand, the complement: TRPV4 is on the minus strand). VCF-style: chr12-109786735-T-G. GRCh37 (hg19) VCF-style: chr12-110224540-T-G.
Other names: c.2131A>C, p.Thr711Pro (NM_147204.3); c.2170A>C, p.Thr724Pro (NM_001177428.2); c.2209A>C, p.Thr737Pro (NM_001177431.2); c.1990A>C, p.Thr664Pro (NM_001177433.2); short protein forms T724P, T771P, T664P, T737P, T711P.
Identifiers: ClinVar variation 2733396 (VCV002733396.4), dbSNP rs993100070, ClinGen allele CA243496342.